The following is an entry in ClinVar:

NM_001372044.2(SHANK3):c.3904G>T (p.Ala1302Ser)

Gene: SHANK3 (SH3 and multiple ankyrin repeat domains 3; plus strand). Cytogenetic location: 22q13.33.
Variant type: single nucleotide variant.
Coding change: c.3904G>T on transcript NM_001372044.2 (MANE Select); coding-DNA position 3904, G replaced by T.
Protein change: p.Ala1302Ser; replaces alanine 1302 with serine.
Molecular consequence: missense variant.
Genome position (GRCh38, 1-based): chr22:50,721,512, G>T. VCF-style: chr22-50721512-G-T. GRCh37 (hg19) VCF-style: chr22-51159940-G-T.
Other names: short protein forms A1302S.
Identifiers: ClinVar variation 3896038 (VCV003896038.1).
Genomic context (GRCh38, chr22:50,721,512, plus strand): 5'-GCTGGCCTCATCGTTGTGCACGCCACCAGCAACGGGCAGGAGCCCAGCAGGCTGGGGGGG[G>T]CCGAAGAGGAGCGCCCGGGCACCCCGGAGTTGGCCCCGGCCCCCATGCAGTCAGCGGCTG-3'
Protein context (NP_001358973.1, residues 1292-1312): NGQEPSRLGG[Ala1302Ser]EEERPGTPEL

ClinVar aggregate classification (germline): Uncertain significance (1 of 4 stars; one submission).

Submission:

Women's Health and Genetics/Laboratory Corporation of America, LabCorp
Classification: Uncertain significance. Last evaluated: 2025-03-21. Review status: criteria provided, single submitter. Criteria: LabCorp Variant Classification Summary - May 2015. Collection method: clinical testing. Allele origin: germline.
Comment: Variant summary: SHANK3 c.3904G>T (p.Ala1302Ser) results in a conservative amino acid change in the encoded protein sequence. The variant allele was found at a frequency of 1.3e-05 in 153470 control chromosomes. The available data on variant occurrences in the general population are insufficient to allow any conclusion about variant significance. To our knowledge, no occurrence of c.3904G>T in individuals affected with Phelan-McDermid Syndrome and no experimental evidence demonstrating its impact on protein function have been reported. No submitters have cited clinical-significance assessments for this variant to ClinVar. Based on the evidence outlined above, the variant was classified as uncertain significance.